The following is an entry in ClinVar:

NM_001386135.1(AFF3):c.324C>T (p.Ile108=)

Gene: AFF3 (ALF transcription elongation factor 3; minus strand). Cytogenetic location: 2q11.2.
Variant type: single nucleotide variant.
Coding change: c.324C>T on transcript NM_001386135.1 (MANE Select); coding-DNA position 324, C replaced by T.
Protein change: p.Ile108=; no amino-acid change (isoleucine 108 retained).
Molecular consequence: synonymous variant.
Genome position (GRCh38, 1-based): chr2:100,007,311, G>A on the plus strand (C>T on the coding strand, the complement: AFF3 is on the minus strand). VCF-style: chr2-100007311-G-A. GRCh37 (hg19) VCF-style: chr2-100623773-G-A.
Other names: c.399C>T, p.Ile133= (NM_001025108.2); c.324C>T, p.Ile108= (NM_002285.3).
Identifiers: ClinVar variation 3025051 (VCV003025051.23), dbSNP rs141695864, ClinGen allele CA1801536.

ClinVar aggregate classification (germline): Likely benign. Review status: criteria provided, multiple submitters, no conflicts (2 of 4 stars). 2 submissions from 2 submitters: Likely benign (2). Last evaluated 2026-08-01.

Allele frequency attached by ClinVar (database versions not stated): 1000 Genomes Project 30x 0.00016; 1000 Genomes Project 0.00020; ExAC 0.00102; gnomAD 0.00103; TOPMed 0.00126; ESP Exome Variant Server 0.00161.
gnomAD v4.1: 2,468 of 1,614,068 alleles (0.15%); highest among the groups gnomAD compares: Non-Finnish European, 0.19%; 6 homozygotes.

Submissions (2):

CeGaT Center for Human Genetics Tuebingen
Classification: Likely benign. Last evaluated: 2026-08-01. Review status: criteria provided, single submitter. Criteria: CeGaT Center For Human Genetics Tuebingen Variant Classification Criteria Version 2. Collection method: clinical testing. Allele origin: germline. Affected: yes. Observed: 9 variant alleles.
Comment: AFF3: BP4, BP7

Blueprint Genetics
Classification: Likely benign. Last evaluated: 2024-11-22. Review status: criteria provided, single submitter. Criteria: ACMG Guidelines, 2015. Collection method: clinical testing. Allele origin: germline.